The following is an entry in ClinVar:

ClinVar aggregate classification (germline): Likely benign. Review status: criteria provided, single submitter (1 of 4 stars). 2 submissions from 2 submitters: Likely benign (1). 1 of the submissions does not count toward it. Last evaluated 2026-01-28.

Conditions:
Cohen syndrome (COH1). Also called: PEPPER SYNDROME; Cutis verticis gyrata, retinitis pigmentosa, and sensorineural deafness. Identifiers: Orphanet 193, MedGen C0265223, MONDO:0008999, OMIM 216550.
VPS13B-related disorder. Also called: VPS13B-related condition.

Allele frequency attached by ClinVar (database versions not stated): gnomAD exomes below 0.00001.
gnomAD v4.1: 2 of 1,614,008 alleles (0.00012%); highest among the groups gnomAD compares: Admixed American, 0.0033%; no homozygotes.

Submissions (2):

Labcorp Genetics (formerly Invitae), Labcorp
Classification: Likely benign for Cohen syndrome. Last evaluated: 2026-01-28. Review status: criteria provided, single submitter. Criteria: Invitae Variant Classification Sherloc (09022015). Collection method: clinical testing. Allele origin: germline.

PreventionGenetics, part of Exact Sciences
Classification: Likely benign for VPS13B-related condition. Last evaluated: 2023-03-29. Review status: no assertion criteria provided. Collection method: clinical testing. Allele origin: germline. Not counted in ClinVar's aggregate classification.
Comment: This variant is classified as likely benign based on ACMG/AMP sequence variant interpretation guidelines (Richards et al. 2015 PMID: 25741868, with internal and published modifications).

NM_152564.5(VPS13B):c.8895G>C (p.Leu2965=)

Gene: VPS13B (vacuolar protein sorting 13 homolog B; plus strand). Cytogenetic location: 8q22.2.
Variant type: single nucleotide variant.
Coding change: c.8895G>C on transcript NM_152564.5 (MANE Select); coding-DNA position 8895, G replaced by C.
Protein change: p.Leu2965=; no amino-acid change (leucine 2965 retained).
Molecular consequence: synonymous variant.
Genome position (GRCh38, 1-based): chr8:99,820,023, G>C. VCF-style: chr8-99820023-G-C. GRCh37 (hg19) VCF-style: chr8-100832251-G-C.
Other names: c.8895G>C (NM_152564.4); c.8970G>C, p.Leu2990= (NM_017890.5).
Identifiers: ClinVar variation 1531511 (VCV001531511.9), dbSNP rs1423890336, ClinGen allele CA462339668.